The following is an entry in ClinVar:

NM_170601.5(SIAE):c.969A>C (p.Leu323Phe)

Gene: SIAE (sialic acid acetylesterase; minus strand). Cytogenetic location: 11q24.2.
Variant type: single nucleotide variant.
Coding change: c.969A>C on transcript NM_170601.5 (MANE Select); coding-DNA position 969, A replaced by C.
Protein change: p.Leu323Phe; replaces leucine 323 with phenylalanine.
Molecular consequence: missense variant.
Genome position (GRCh38, 1-based): chr11:124,639,865, T>G on the plus strand (A>C on the coding strand, the complement: SIAE is on the minus strand). VCF-style: chr11-124639865-T-G. GRCh37 (hg19) VCF-style: chr11-124509761-T-G.
Other names: c.864A>C, p.Leu288Phe (NM_001199922.2); c.969A>C (NM_170601.4); short protein forms L288F, L323F.
Identifiers: ClinVar variation 1364763 (VCV001364763.7), dbSNP rs147006443, ClinGen allele CA6341336.

ClinVar aggregate classification (germline): Uncertain significance. Review status: criteria provided, multiple submitters, no conflicts (2 of 4 stars). 2 submissions from 2 submitters: Uncertain significance (2). Last evaluated 2026-07-16.

Conditions:
SIAE-related disorder. Also called: SIAE-related condition.

Allele frequency attached by ClinVar (database versions not stated): gnomAD exomes 0.00003 and 0.00008; ExAC 0.00008; ESP Exome Variant Server 0.00023; gnomAD 0.00035 and 0.00037; 1000 Genomes Project 0.00060; 1000 Genomes Project 30x 0.00078; TOPMed 0.00092.
gnomAD v4.1: 105 of 1,614,116 alleles (0.0065%); highest among the groups gnomAD compares: Admixed American, 0.1%; 1 homozygote.

Submissions (2):

PreventionGenetics, part of Exact Sciences
Classification: Uncertain significance for SIAE-related condition. Last evaluated: 2026-07-16. Review status: criteria provided, single submitter. Criteria: ACMG Guidelines, 2015. Collection method: clinical testing. Allele origin: germline.
Comment: The SIAE c.969A>C variant is predicted to result in the amino acid substitution p.Leu323Phe. To our knowledge, this variant has not been reported in the literature. This variant is reported in 0.068% of alleles in individuals of African descent in gnomAD. At this time, the clinical significance of this variant is uncertain due to the absence of conclusive functional and genetic evidence.

Labcorp Genetics (formerly Invitae), Labcorp
Classification: Uncertain significance. Last evaluated: 2026-01-28. Review status: criteria provided, single submitter. Criteria: Invitae Variant Classification Sherloc (09022015). Collection method: clinical testing. Allele origin: germline.
Comment: This sequence change replaces leucine, which is neutral and non-polar, with phenylalanine, which is neutral and non-polar, at codon 323 of the SIAE protein (p.Leu323Phe). This variant is present in population databases (rs147006443, gnomAD 0.07%), and has an allele count higher than expected for a pathogenic variant. This variant has not been reported in the literature in individuals affected with SIAE-related conditions. ClinVar contains an entry for this variant (Variation ID: 1364763). An algorithm developed to predict the effect of missense changes on protein structure and function (PolyPhen-2) suggests that this variant is likely to be disruptive. In summary, the available evidence is currently insufficient to determine the role of this variant in disease. Therefore, it has been classified as a Variant of Uncertain Significance.